The following is an entry in ClinVar:

NM_033380.3(COL4A5):c.3034G>T (p.Gly1012Cys)

Gene: COL4A5 (collagen type IV alpha 5 chain; plus strand). Cytogenetic location: Xq22.3.
Variant type: single nucleotide variant.
Coding change: c.3034G>T on transcript NM_033380.3 (MANE Select); coding-DNA position 3034, G replaced by T.
Protein change: p.Gly1012Cys; replaces glycine 1012 with cysteine.
Molecular consequence: missense variant.
Genome position (GRCh38, 1-based): chrX:108,625,722, G>T. VCF-style: chrX-108625722-G-T. GRCh37 (hg19) VCF-style: chrX-107868952-G-T.
Other names: c.3034G>T, p.Gly1012Cys (NM_000495.5); short protein forms G1012C.
Identifiers: ClinVar variation 3776111 (VCV003776111.1).

ClinVar aggregate classification (germline): Likely pathogenic (1 of 4 stars; one submission).

Conditions:
X-linked Alport syndrome (ATS1). Also called: NEPHROPATHY AND DEAFNESS, X-LINKED; COL4A5-Related Nephropathy. Identifiers: Orphanet 63, Orphanet 88917, MedGen C4746986, MONDO:0010520, OMIM 301050.

Submission:

3billion
Classification: Likely pathogenic for X-linked Alport syndrome. Last evaluated: 2023-12-29. Review status: criteria provided, single submitter. Criteria: ACMG Guidelines, 2015. Collection method: clinical testing. Allele origin: germline. Affected: yes.
Comment: The variant is not observed in the gnomAD v2.1.1 dataset. Predicted Consequence/Location: The variant is located in a mutational hot spot and/or well-established functional domain in which established pathogenic variants have been reported (PMID: 7695699, 8218237, 19344236). In silico tool predictions suggest damaging effect of the variant on gene or gene product [REVEL: 1.00 (>=0.6, sensitivity 0.68 and specificity 0.92); 3Cnet: 0.91 (>=0.6, sensitivity 0.72 and precision 0.9)]. A different missense change at the same codon (p.Gly1012Asp) has been reported to be associated with COL4A5 related disorder (ClinVar ID: VCV001434827 /PMID: 35020912). Therefore, this variant is classified as Likely pathogenic according to the recommendation of ACMG/AMP guideline.

Literature cited by the submitters: PubMed 7695699; PubMed 19344236; PubMed 35020912; PubMed 8218237.